The following is an entry in ClinVar:

ClinVar aggregate classification (germline): Benign/Likely benign. Review status: criteria provided, multiple submitters, no conflicts (2 of 4 stars). 6 submissions from 6 submitters: Benign (1); Likely benign (4). 1 of the submissions does not count toward it. Last evaluated 2025-01-13.

Conditions:
Hereditary cancer-predisposing syndrome. Also called: Neoplastic Syndromes, Hereditary; Tumor predisposition; Hereditary Cancer Syndrome; Hereditary neoplastic syndrome. Identifiers: Orphanet 140162, MedGen C0027672, MeSH D009386, MONDO:0015356.
Familial cancer of breast. Also called: BREAST CANCER, FAMILIAL; Hereditary breast cancer; hereditary breast carcinoma. Identifiers: Orphanet 227535, MedGen C0346153, MONDO:0016419, OMIM 114480. Disease mechanism: loss of function.
Malignant tumor of breast. Also called: Malignant breast neoplasm; Cancer breast. Identifiers: MedGen C0006142, MONDO:0007254. Disease mechanism: loss of function.

Allele frequency attached by ClinVar (database versions not stated): gnomAD exomes below 0.00001 and 0.00002; ExAC 0.00001.
gnomAD v4.1: 35 of 1,614,096 alleles (0.0022%); highest among the groups gnomAD compares: Non-Finnish European, 0.0029%; no homozygotes.

Submissions (6):

Myriad Genetics, Inc.
Classification: Benign for Familial cancer of breast. Last evaluated: 2025-01-13. Review status: criteria provided, single submitter. Criteria: Myriad Autosomal Dominant, Autosomal Recessive and X-Linked Classification Criteria (2023). Collection method: clinical testing. Allele origin: unknown.
Comment: This variant is considered benign. This variant is a silent/synonymous amino acid change and it is not expected to impact splicing.

Labcorp Genetics (formerly Invitae), Labcorp
Classification: Likely benign for Familial cancer of breast. Last evaluated: 2023-05-23. Review status: criteria provided, single submitter. Criteria: Invitae Variant Classification Sherloc (09022015). Collection method: clinical testing. Allele origin: germline.

GeneDx
Classification: Likely benign. Last evaluated: 2017-02-23. Review status: criteria provided, single submitter. Criteria: GeneDx Variant Classification (06012015). Collection method: clinical testing. Allele origin: germline. Affected: yes.
Comment: This variant is considered likely benign or benign based on one or more of the following criteria: it is a conservative change, it occurs at a poorly conserved position in the protein, it is predicted to be benign by multiple in silico algorithms, and/or has population frequency not consistent with disease.

Color Diagnostics, LLC DBA Color Health
Classification: Likely benign for Hereditary cancer-predisposing syndrome. Last evaluated: 2016-05-10. Review status: criteria provided, single submitter. Criteria: ACMG Guidelines, 2015. Collection method: clinical testing. Allele origin: germline.

Ambry Genetics
Classification: Likely benign for Hereditary cancer-predisposing syndrome. Last evaluated: 2014-11-14. Review status: criteria provided, single submitter. Criteria: Ambry Variant Classification Scheme 2023. Collection method: clinical testing. Allele origin: germline.

Department of Pathology and Laboratory Medicine, Sinai Health System
Classification: Likely benign for Malignant tumor of breast. Review status: no assertion criteria provided. Collection method: clinical testing. Allele origin: unknown. Affected: yes. Study: The Canadian Open Genetics Repository (COGR). Not counted in ClinVar's aggregate classification.
Comment: The PALB2 p.Arg365= variant was not identified in the literature nor was it identified in the Cosmic, MutDB, LOVD 3.0, or Zhejiang University databases. The variant was identified in dbSNP (ID: rs515726062) as "With Likely benign, Uncertain significance allele", and in ClinVar (classified as likely benign by Ambry Genetics and GeneDx). The variant was identified in control databases in 1 of 246168 chromosomes at a frequency of 0.000004 (Genome Aggregation Database Feb 27, 2017). The variant was observed in the European population 1 of 111626 chromosomes (freq: 0.000009), but not in the African, Other, Latino, Ashkenazi Jewish, East Asian, Finnish, or South Asian populations. The p.Arg365 variant is not expected to have clinical significance because it does not result in a change of amino acid and is not located in a known consensus splice site. The variant occurs outside of the splicing consensus sequence and in silico or computational prediction software programs (SpliceSiteFinder, MaxEntScan, NNSPLICE, GeneSplicer, HumanSpliceFinder) do not predict a greater than 10% difference in splicing. In summary, based on the above information the clinical significance of this variant cannot be determined with certainty at this time although we would lean towards a more benign role for this variant. This variant is classified as likely benign.

NM_024675.4(PALB2):c.1095G>A (p.Arg365=)

Gene: PALB2 (partner and localizer of BRCA2; minus strand). Cytogenetic location: 16p12.2.
Variant type: single nucleotide variant.
Coding change: c.1095G>A on transcript NM_024675.4 (MANE Select); coding-DNA position 1095, G replaced by A.
Protein change: p.Arg365=; no amino-acid change (arginine 365 retained).
Molecular consequence: synonymous variant.
Genome position (GRCh38, 1-based): chr16:23,635,451, C>T on the plus strand (G>A on the coding strand, the complement: PALB2 is on the minus strand). VCF-style: chr16-23635451-C-T. GRCh37 (hg19) VCF-style: chr16-23646772-C-T.
Identifiers: ClinVar variation 187159 (VCV000187159.21), dbSNP rs515726062, ClinGen allele CA196888.
Genomic context (GRCh38, chr16:23,635,451, plus strand): 5'-TGCTTCCAGGCTAAGACTCTTAGGTTGACTTAGAATCTCACTTTCCTGAAGATTTTCATT[C>T]CTGCCATCAAGAGTGTCACTGGGAGATTTTAAAGATTTCTCTGTTTGATTTTGTTCTTTT-3'
Protein context (NP_078951.2, residues 355-375): LKSPSDTLDG[Arg365=]NENLQESEIL